The following is an entry in ClinVar:

ClinVar aggregate classification (germline): Conflicting classifications of pathogenicity. Review status: criteria provided, conflicting classifications (1 of 4 stars). 2 submissions from 2 submitters: Uncertain significance (1); Likely benign (1). Last evaluated 2023-03-23.

Conditions:
Hereditary cancer-predisposing syndrome. Also called: Neoplastic Syndromes, Hereditary; Tumor predisposition; Hereditary Cancer Syndrome; Hereditary neoplastic syndrome. Identifiers: Orphanet 140162, MedGen C0027672, MeSH D009386, MONDO:0015356.

Submissions (2):

University of Washington Department of Laboratory Medicine, University of Washington
Classification: Likely benign for Hereditary cancer-predisposing syndrome. Last evaluated: 2023-03-23. Review status: criteria provided, single submitter. Criteria: Dines et al. (Genet Med. 2020). Collection method: curation. Allele origin: germline.
Comment: Missense variant in a coldspot region where missense variants are very unlikely to be pathogenic (PMID:31911673).

BRCA2 exon 10 coldspot. Reclassification based on statistical prior probability.

Ambry Genetics
Classification: Uncertain significance for Hereditary cancer-predisposing syndrome. Last evaluated: 2015-08-07. Review status: criteria provided, single submitter. Criteria: Ambry Variant Classification Scheme 2023. Collection method: clinical testing. Allele origin: germline.
Comment: The p.N444H variant (also known as c.1330A>C and 1558A>C), located in coding exon 9 of the BRCA2 gene, results from an A to C substitution at nucleotide position 1330. The asparagine at codon 444 is replaced by histidine, an amino acid with similar properties. This variant was not reported in population based cohorts in the following databases: Database of Single Nucleotide Polymorphisms (dbSNP), NHLBI Exome Sequencing Project (ESP), and 1000 Genomes Project. In the ESP, this variant was not observed in 6501 samples (13002 alleles) with coverage at this position. To date, this alteration has been detected with an allele frequency of approximately 0.001% (greater than 150000 alleles tested) in our clinical cohort. This amino acid position is not well conserved in available vertebrate species. In addition, this alteration is predicted to be tolerated by in silico analysis. Since supporting evidence is limited at this time, the clinical significance of p.N444H remains unclear.

NM_000059.4(BRCA2):c.1330A>C (p.Asn444His)

Gene: BRCA2 (BRCA2 DNA repair associated; plus strand). Cytogenetic location: 13q13.1.
Variant type: single nucleotide variant.
Coding change: c.1330A>C on transcript NM_000059.4 (MANE Select); coding-DNA position 1330, A replaced by C.
Protein change: p.Asn444His; replaces asparagine 444 with histidine.
Molecular consequence: missense variant.
Genome position (GRCh38, 1-based): chr13:32,332,808, A>C. VCF-style: chr13-32332808-A-C. GRCh37 (hg19) VCF-style: chr13-32906945-A-C.
Other names: short protein forms N444H.
Identifiers: ClinVar variation 233441 (VCV000233441.7), dbSNP rs876660409, ClinGen allele CA10579493.
Genomic context (GRCh38, chr13:32,332,808, plus strand): 5'-TCAGAAAAAGACCTATTAGACACAGAGAACAAAAGAAAGAAAGATTTTCTTACTTCAGAG[A>C]ATTCTTTGCCACGTATTTCTAGCCTACCAAAATCAGAGAAGCCATTAAATGAGGAAACAG-3'
Protein context (NP_000050.3, residues 434-454): KRKKDFLTSE[Asn444His]SLPRISSLPK